The following is an entry in ClinVar:

ClinVar aggregate classification (germline): Uncertain significance. Review status: criteria provided, multiple submitters, no conflicts (2 of 4 stars). 2 submissions from 2 submitters: Uncertain significance (2). Last evaluated 2026-04-15.

Conditions:
Hereditary cancer-predisposing syndrome. Also called: Hereditary neoplastic syndrome; Neoplastic Syndromes, Hereditary; Tumor predisposition; Hereditary Cancer Syndrome. Identifiers: Orphanet 140162, MedGen C0027672, MeSH D009386, MONDO:0015356.
Familial cancer of breast. Also called: BREAST CANCER, FAMILIAL; Hereditary breast cancer; hereditary breast carcinoma. Identifiers: Orphanet 227535, MedGen C0346153, MONDO:0016419, OMIM 114480. Disease mechanism: loss of function.
Fanconi anemia complementation group J. Also called: BRIP1-Related Fanconi Anemia. Identifiers: Orphanet 84, MedGen C1836860, MONDO:0012187, OMIM 609054.

Allele frequency attached by ClinVar (database versions not stated): gnomAD exomes below 0.00001.

Submissions (2):

Ambry Genetics
Classification: Uncertain significance for Hereditary cancer-predisposing syndrome. Last evaluated: 2026-04-15. Review status: criteria provided, single submitter. Criteria: Ambry Variant Classification Scheme 2023. Collection method: clinical testing. Allele origin: germline.
Comment: The p.E924V variant (also known as c.2771A>T), located in coding exon 18 of the BRIP1 gene, results from an A to T substitution at nucleotide position 2771. The glutamic acid at codon 924 is replaced by valine, an amino acid with dissimilar properties. This amino acid position is conserved. In addition, this alteration is predicted to be tolerated by in silico analysis. Based on the available evidence, the clinical significance of this variant remains unclear.

Labcorp Genetics (formerly Invitae), Labcorp
Classification: Uncertain significance for Familial cancer of breast; Fanconi anemia complementation group J. Last evaluated: 2024-05-26. Review status: criteria provided, single submitter. Criteria: Invitae Variant Classification Sherloc (09022015). Collection method: clinical testing. Allele origin: germline.
Comment: This sequence change replaces glutamic acid, which is acidic and polar, with valine, which is neutral and non-polar, at codon 924 of the BRIP1 protein (p.Glu924Val). This variant is not present in population databases (gnomAD no frequency). This variant has not been reported in the literature in individuals affected with BRIP1-related conditions. ClinVar contains an entry for this variant (Variation ID: 1056611). Advanced modeling of protein sequence and biophysical properties (such as structural, functional, and spatial information, amino acid conservation, physicochemical variation, residue mobility, and thermodynamic stability) performed at Invitae indicates that this missense variant is not expected to disrupt BRIP1 protein function with a negative predictive value of 80%. In summary, the available evidence is currently insufficient to determine the role of this variant in disease. Therefore, it has been classified as a Variant of Uncertain Significance.

NM_032043.3(BRIP1):c.2771A>T (p.Glu924Val)

Gene: BRIP1 (BRCA1 interacting DNA helicase 1; minus strand). Cytogenetic location: 17q23.2.
Variant type: single nucleotide variant.
Coding change: c.2771A>T on transcript NM_032043.3 (MANE Select); coding-DNA position 2771, A replaced by T.
Protein change: p.Glu924Val; replaces glutamic acid 924 with valine.
Molecular consequence: missense variant.
Genome position (GRCh38, 1-based): chr17:61,685,970, T>A on the plus strand (A>T on the coding strand, the complement: BRIP1 is on the minus strand). VCF-style: chr17-61685970-T-A. GRCh37 (hg19) VCF-style: chr17-59763331-T-A.
Other names: c.2771A>T (NM_032043.2); short protein forms E924V.
Identifiers: ClinVar variation 1056611 (VCV001056611.11), dbSNP rs1567731533, ClinGen allele CA400481565.